The following is an entry in ClinVar:

ClinVar aggregate classification (germline): Pathogenic (1 of 4 stars; one submission).

Conditions:
Familial focal epilepsy with variable foci (FPEVF). Identifiers: Orphanet 98820, MedGen C1858477, MONDO:0020310.

Submission:

Labcorp Genetics (formerly Invitae), Labcorp
Classification: Pathogenic for Familial focal epilepsy with variable foci. Last evaluated: 2023-10-22. Review status: criteria provided, single submitter. Criteria: Invitae Variant Classification Sherloc (09022015). Collection method: clinical testing. Allele origin: unknown.
Comment: This variant is a gross deletion of the genomic region encompassing exon(s) 1-12 of the DEPDC5 gene, which includes the initiator codon. This deletion extends beyond the assayed region for this gene and therefore may encompass additional genes. It is expected to result in an absent or disrupted protein product. Loss-of-function variants in DEPDC5 are known to be pathogenic (PMID: 23542697, 23542701). This variant has not been reported in the literature in individuals affected with DEPDC5-related conditions. For these reasons, this variant has been classified as Pathogenic.

Literature cited by the submitters: PubMed 23542697; PubMed 23542701.

NC_000022.10:g.(?_32044067)_(32188823_?)del

Genes: DEPDC5 (DEP domain containing 5, GATOR1 subcomplex subunit; plus strand), PRR14L (proline rich 14 like; minus strand). Cytogenetic location: 22q12.2.
Variant type: Deletion.
Identifiers: ClinVar variation 3247809 (VCV003247809.1).